The following is an entry in ClinVar:

ClinVar aggregate classification (germline): Uncertain significance (1 of 4 stars; one submission).

Conditions:
Cardiovascular phenotype. Identifiers: MedGen CN230736.

Allele frequency attached by ClinVar (database versions not stated): gnomAD exomes below 0.00001; gnomAD 0.00001; TOPMed 0.00001; ExAC 0.00006.

Submission:

Ambry Genetics
Classification: Uncertain significance for Cardiovascular phenotype. Last evaluated: 2021-06-15. Review status: criteria provided, single submitter. Criteria: Ambry Variant Classification Scheme 2023. Collection method: clinical testing. Allele origin: germline.
Comment: The c.1894dupA variant, located in coding exon 36 of the TRDN gene, results from a duplication of A at nucleotide position 1894, causing a translational frameshift with a predicted alternate stop codon (p.R632Kfs*31). This alteration is expected to result in loss of function by premature protein truncation or nonsense-mediated mRNA decay. However, this alteration does not impact the predominant cardiac isoform of TRDN (NM_001256021.1; Kobayashi YM et al. J. Biol. Chem., 1999 Oct;274:28660-8). Since supporting evidence is limited at this time, the clinical significance of this alteration remains unclear.

NM_006073.4(TRDN):c.1894dup (p.Arg632fs)

Gene: TRDN (triadin; minus strand). Cytogenetic location: 6q22.31.
Variant type: Duplication.
Coding change: c.1894dup on transcript NM_006073.4 (MANE Select); coding-DNA position 1894, one base duplicated (A; older notation c.1894dupA).
Protein change: p.Arg632fs; shifts the reading frame from arginine 632.
Molecular consequence: frameshift variant.
Genome position (GRCh38, 1-based): chr6:123,255,879, T duplicated on the plus strand (A on the coding strand, the reverse complement: TRDN is on the minus strand). VCF-style (leftmost placement, unchanged base first): chr6-123255878-C-CT. GRCh37 (hg19) VCF-style: chr6-123577023-C-CT.
Other names: short protein forms R632fs.
Identifiers: ClinVar variation 1782122 (VCV001782122.2), dbSNP rs756175542, ClinGen allele CA3983706.